The following is an entry in ClinVar:

NM_032578.4(MYPN):c.1132A>C (p.Ile378Leu)

Gene: MYPN (myopalladin; plus strand). Cytogenetic location: 10q21.3.
Variant type: single nucleotide variant.
Coding change: c.1132A>C on transcript NM_032578.4 (MANE Select); coding-DNA position 1132, A replaced by C.
Protein change: p.Ile378Leu; replaces isoleucine 378 with leucine.
Molecular consequence: missense variant. On other transcripts: non-coding transcript variant (2).
Genome position (GRCh38, 1-based): chr10:68,148,354, A>C. VCF-style: chr10-68148354-A-C. GRCh37 (hg19) VCF-style: chr10-69908111-A-C.
Other names: c.1132A>C, p.Ile378Leu (NM_001256267.2); c.250A>C, p.Ile84Leu (NM_001256268.2); short protein forms I378L, I84L.
Identifiers: ClinVar variation 517322 (VCV000517322.5), dbSNP rs1554842686, ClinGen allele CA376831610.

ClinVar aggregate classification (germline): Uncertain significance (1 of 4 stars; one submission).

Submission:

Laboratory for Molecular Medicine, Mass General Brigham Personalized Medicine
Classification: Uncertain significance. Last evaluated: 2017-03-09. Review status: criteria provided, single submitter. Criteria: LMM Criteria. Collection method: clinical testing. Allele origin: germline. Observed: 1 variant allele.
Comment: Variant classified as Uncertain Significance - Favor Benign. The p.Ile378Leu var iant in MYPN has not been previously reported in individuals with cardiomyopathy or in large population studies. Isoleucine (Ile) at position 378 is poorly cons erved in mammals and 1 mammal (Armadillo) carries a leucine (Leu) at this positi on, raising the possibility that this change may be tolerated. Additional comput ational prediction tools suggest that the p.Ile378Leu variant may not impact the protein, though this information is not predictive enough to rule out pathogeni city. In summary, while the clinical significance of the p.Ile378Leu variant is uncertain, available data suggest that it is more likely to be benign.